The following is an entry in ClinVar:

ClinVar aggregate classification (germline): Uncertain significance (1 of 4 stars; one submission).

Conditions:
Myofibrillar myopathy 5. Also called: Filaminopathy (type); FILAMINOPATHY, AUTOSOMAL DOMINANT. Identifiers: Orphanet 171445, MedGen C1836050, MONDO:0012289, OMIM 609524.
Dilated Cardiomyopathy, Dominant.
Distal myopathy with posterior leg and anterior hand involvement. Also called: WILLIAMS DISTAL MYOPATHY. Identifiers: Orphanet 63273, MedGen C3279722, MONDO:0013550, OMIM 614065.
Hypertrophic cardiomyopathy 26. Also called: Cardiomyopathy, familial hypertrophic, 26. Identifiers: Orphanet 75249, MedGen C4310749, MONDO:0014883, OMIM 617047.

Allele frequency attached by ClinVar (database versions not stated): gnomAD exomes 0.00001.
gnomAD v4.1: 7 of 1,612,806 alleles (0.00043%); highest among the groups gnomAD compares: Non-Finnish European, 0.00059%; no homozygotes.

Submission:

Labcorp Genetics (formerly Invitae), Labcorp
Classification: Uncertain significance for Distal myopathy with posterior leg and anterior hand involvement; Myofibrillar myopathy 5; Hypertrophic cardiomyopathy 26. Last evaluated: 2019-03-04. Review status: criteria provided, single submitter. Criteria: Invitae Variant Classification Sherloc (09022015). Collection method: clinical testing. Allele origin: germline.
Comment: This sequence change replaces aspartic acid with tyrosine at codon 16 of the FLNC protein (p.Asp16Tyr). The aspartic acid residue is weakly conserved and there is a large physicochemical difference between aspartic acid and tyrosine. In summary, the available evidence is currently insufficient to determine the role of this variant in disease. Therefore, it has been classified as a Variant of Uncertain Significance. Algorithms developed to predict the effect of missense changes on protein structure and function are either unavailable or do not agree on the potential impact of this missense change (SIFT: "Deleterious"; PolyPhen-2: "Possibly Damaging"; Align-GVGD: "Class C0"). This variant has not been reported in the literature in individuals with FLNC-related conditions. This variant is not present in population databases (ExAC no frequency).

NM_001458.5(FLNC):c.46G>T (p.Asp16Tyr)

Gene: FLNC (filamin C; plus strand). Cytogenetic location: 7q32.1.
Variant type: single nucleotide variant.
Coding change: c.46G>T on transcript NM_001458.5 (MANE Select); coding-DNA position 46, G replaced by T.
Protein change: p.Asp16Tyr; replaces aspartic acid 16 with tyrosine.
Molecular consequence: missense variant.
Genome position (GRCh38, 1-based): chr7:128,830,683, G>T. VCF-style: chr7-128830683-G-T. GRCh37 (hg19) VCF-style: chr7-128470737-G-T.
Other names: c.46G>T, p.Asp16Tyr (NM_001127487.2); short protein forms D16Y.
Identifiers: ClinVar variation 843279 (VCV000843279.8), dbSNP rs1807849615, ClinGen allele CA369215494.
Genomic context (GRCh38, chr7:128,830,683, plus strand): 5'-CCAGCCCGCGCCAGCATGATGAACAACAGCGGCTACTCAGACGCCGGCCTCGGCCTGGGC[G>T]ATGAGACAGACGAGATGCCGTCCACGGAGAAGGACCTGGCGGAGGACGCGCCGTGGAAGA-3'
Protein context (NP_001449.3, residues 6-26): GYSDAGLGLG[Asp16Tyr]ETDEMPSTEK